The following is an entry in ClinVar:

NM_001166108.2(PALLD):c.1067C>G (p.Ser356Cys)

Gene: PALLD (palladin, cytoskeletal associated protein; plus strand). Cytogenetic location: 4q32.3.
Variant type: single nucleotide variant.
Coding change: c.1067C>G on transcript NM_001166108.2 (MANE Select); coding-DNA position 1067, C replaced by G.
Protein change: p.Ser356Cys; replaces serine 356 with cysteine.
Molecular consequence: missense variant. On other transcripts: 5 prime UTR variant (1).
Genome position (GRCh38, 1-based): chr4:168,668,348, C>G. VCF-style: chr4-168668348-C-G. GRCh37 (hg19) VCF-style: chr4-169589499-C-G.
Other names: c.-80C>G (NM_001166109.2); c.1067C>G, p.Ser356Cys (NM_016081.4); short protein forms S356C.
Identifiers: ClinVar variation 3413628 (VCV003413628.1).

ClinVar aggregate classification (germline): Uncertain significance (1 of 4 stars; one submission).

gnomAD v4.1: 2 of 1,609,080 alleles (0.00012%); highest among the groups gnomAD compares: Admixed American, 0.0017%; no homozygotes.

Submission:

Ambry Genetics
Classification: Uncertain significance. Last evaluated: 2024-09-30. Review status: criteria provided, single submitter. Criteria: Ambry Variant Classification Scheme 2023. Collection method: clinical testing. Allele origin: germline.
Comment: The p.S356C variant (also known as c.1067C>G), located in coding exon 2 of the PALLD gene, results from a C to G substitution at nucleotide position 1067. The serine at codon 356 is replaced by cysteine, an amino acid with dissimilar properties. This amino acid position is conserved. In addition, this alteration is predicted to be deleterious by in silico analysis. Based on the available evidence, the clinical significance of this variant remains unclear.